The following is an entry in ClinVar:

NM_000454.5(SOD1):c.201_207del (p.Leu68fs)

Gene: SOD1 (superoxide dismutase 1; plus strand). Cytogenetic location: 21q22.11.
Variant type: Deletion.
Coding change: c.201_207del on transcript NM_000454.5 (MANE Select); coding-DNA positions 201 to 207, 7 bases deleted (TCTATCC; older notation c.201_207delTCTATCC).
Protein change: p.Leu68fs; shifts the reading frame from leucine 68.
Molecular consequence: frameshift variant.
Genome position (GRCh38, 1-based): chr21:31,666,480-31,666,486, TCTATCC deleted; deleting any 7 consecutive bases within chr21:31,666,476-31,666,486 gives the same sequence; the c. name uses the placement nearest the transcript's 3' end. VCF-style (leftmost placement, unchanged base first): chr21-31666475-AATCCTCT-A. GRCh37 (hg19) VCF-style: chr21-33038788-AATCCTCT-A.
Other names: c.201_207del7 (NM_000454.4); short protein forms L68fs.
Identifiers: ClinVar variation 3345780 (VCV003345780.1).

ClinVar aggregate classification (germline): Likely pathogenic (0 of 4 stars; one submission).

Conditions:
SOD1-related disorder. Also called: SOD1-related condition.

Submission:

PreventionGenetics, part of Exact Sciences
Classification: Likely pathogenic for SOD1-related condition. Last evaluated: 2024-07-23. Review status: no assertion criteria provided. Collection method: clinical testing. Allele origin: germline.
Comment: The SOD1 c.201_207del7 variant is predicted to result in a frameshift and premature protein termination (p.Leu68Glufs*19). To our knowledge, this variant has not been reported in the literature. The majority of pathogenic variants in SOD1 reported to date are missense changes, but a select few of loss of function variants have been reported (Berdyński et al. 2022. PubMed ID: 34996976; Siddique and Deng. 1996. PubMed ID: 8875253). This variant is reported in 0.0058% of alleles in individuals of Latino descent in gnomAD. This variant is interpreted as likely pathogenic.